The following is an entry in ClinVar:

NM_001122955.4(BSCL2):c.925T>A (p.Phe309Ile)

Genes: BSCL2 (BSCL2 lipid droplet biogenesis associated, seipin; minus strand), HNRNPUL2-BSCL2 (HNRNPUL2-BSCL2 readthrough (NMD candidate); minus strand). Cytogenetic location: 11q12.3.
Variant type: single nucleotide variant.
Coding change: c.925T>A on transcript NM_001122955.4 (MANE Select); coding-DNA position 925, T replaced by A.
Protein change: p.Phe309Ile; replaces phenylalanine 309 with isoleucine.
Molecular consequence: missense variant. On other transcripts: non-coding transcript variant (1), intron variant (1).
Genome position (GRCh38, 1-based): chr11:62,691,360, A>T on the plus strand (T>A on the coding strand, the complement: BSCL2 is on the minus strand). VCF-style: chr11-62691360-A-T. GRCh37 (hg19) VCF-style: chr11-62458832-A-T.
Other names: c.925T>A, p.Phe309Ile (NM_001386027.1, NM_001386028.1); c.733T>A, p.Phe245Ile (NM_032667.6); c.672-219T>A (NM_001130702.2); short protein forms F245I, F309I.
Identifiers: ClinVar variation 2730344 (VCV002730344.3), dbSNP rs1201010143, ClinGen allele CA380959952.

ClinVar aggregate classification (germline): Uncertain significance (1 of 4 stars; one submission).

Conditions:
Charcot-Marie-Tooth disease type 2. Also called: Charcot-Marie-Tooth type 2. Identifiers: Orphanet 64746, MedGen C0270914, MONDO:0018993.

Submission:

Labcorp Genetics (formerly Invitae), Labcorp
Classification: Uncertain significance for Charcot-Marie-Tooth disease type 2. Last evaluated: 2025-04-28. Review status: criteria provided, single submitter. Criteria: Invitae Variant Classification Sherloc (09022015). Collection method: clinical testing. Allele origin: germline.
Comment: This sequence change replaces phenylalanine, which is neutral and non-polar, with isoleucine, which is neutral and non-polar, at codon 245 of the BSCL2 protein (p.Phe245Ile). This variant is not present in population databases (gnomAD no frequency). This variant has not been reported in the literature in individuals affected with BSCL2-related conditions. ClinVar contains an entry for this variant (Variation ID: 2730344). Invitae Evidence Modeling of protein sequence and biophysical properties (such as structural, functional, and spatial information, amino acid conservation, physicochemical variation, residue mobility, and thermodynamic stability) indicates that this missense variant is not expected to disrupt BSCL2 protein function with a negative predictive value of 80%. In summary, the available evidence is currently insufficient to determine the role of this variant in disease. Therefore, it has been classified as a Variant of Uncertain Significance.